The following is an entry in ClinVar:

NM_000271.5(NPC1):c.1554-1016C>T

Gene: NPC1 (NPC intracellular cholesterol transporter 1; minus strand). Cytogenetic location: 18q11.2.
Variant type: single nucleotide variant.
Coding change: c.1554-1016C>T on transcript NM_000271.5 (MANE Select); 1016 bases into the intron before coding-DNA position 1554, C replaced by T.
Molecular consequence: intron variant.
Genome position (GRCh38, 1-based): chr18:23,552,743, G>A on the plus strand (C>T on the coding strand, the complement: NPC1 is on the minus strand). VCF-style: chr18-23552743-G-A. GRCh37 (hg19) VCF-style: chr18-21132707-G-A.
Identifiers: ClinVar variation 558887 (VCV000558887.36), dbSNP rs145998218, ClinGen allele CA297066461.

ClinVar aggregate classification (germline): Likely benign. Review status: criteria provided, multiple submitters, no conflicts (2 of 4 stars). 4 submissions from 4 submitters: Likely benign (2). 2 of the submissions do not count toward it. Last evaluated 2026-09-01.

Conditions:
NPC1-related disorder. Also called: NPC1-related condition.

Allele frequency attached by ClinVar (database versions not stated): 1000 Genomes Project 0.00359; 1000 Genomes Project 30x 0.00359; gnomAD 0.00555 and 0.00584; TOPMed 0.00650.
gnomAD v4.1: 865 of 152,380 alleles (0.57%); highest among the groups gnomAD compares: Admixed American, 0.76%; 1 homozygote.

Submissions (4):

CeGaT Center for Human Genetics Tuebingen
Classification: Likely benign. Last evaluated: 2026-09-01. Review status: criteria provided, single submitter. Criteria: CeGaT Center For Human Genetics Tuebingen Variant Classification Criteria Version 2. Collection method: clinical testing. Allele origin: germline. Affected: yes. Observed: 18 variant alleles.
Comment: NPC1: BS1

Blueprint Genetics
Classification: Likely benign. Last evaluated: 2024-11-27. Review status: criteria provided, single submitter. Criteria: ACMG Guidelines, 2015. Collection method: clinical testing. Allele origin: germline.

PreventionGenetics, part of Exact Sciences
Classification: Benign for NPC1-related condition. Last evaluated: 2019-06-19. Review status: no assertion criteria provided. Collection method: clinical testing. Allele origin: germline. Not counted in ClinVar's aggregate classification.
Comment: This variant is classified as benign based on ACMG/AMP sequence variant interpretation guidelines (Richards et al. 2015 PMID: 25741868, with internal and published modifications).

Mayo Clinic Laboratories, Mayo Clinic
Classification: Likely benign. Last evaluated: 2017-05-31. Review status: no assertion criteria provided. Collection method: clinical testing. Allele origin: unknown. Not counted in ClinVar's aggregate classification.